The following is an entry in ClinVar:

NM_001367624.2(ZNF469):c.709C>T (p.Pro237Ser)

Gene: ZNF469 (zinc finger protein 469; plus strand). Cytogenetic location: 16q24.2.
Variant type: single nucleotide variant.
Coding change: c.709C>T on transcript NM_001367624.2 (MANE Select); coding-DNA position 709, C replaced by T.
Protein change: p.Pro237Ser; replaces proline 237 with serine.
Molecular consequence: missense variant.
Genome position (GRCh38, 1-based): chr16:88,428,179, C>T. VCF-style: chr16-88428179-C-T. GRCh37 (hg19) VCF-style: chr16-88494587-C-T.
Other names: NM_001127464.1:c.709C>T; short protein forms P237S.
Identifiers: ClinVar variation 2624532 (VCV002624532.2), dbSNP rs1905834737, ClinGen allele CA397061737.

ClinVar aggregate classification (germline): Uncertain significance (1 of 4 stars; one submission).

Conditions:
Cardiovascular phenotype. Identifiers: MedGen CN230736.

Submission:

Ambry Genetics
Classification: Uncertain significance for Cardiovascular phenotype. Last evaluated: 2023-07-27. Review status: criteria provided, single submitter. Criteria: Ambry Variant Classification Scheme 2023. Collection method: clinical testing. Allele origin: germline.
Comment: The p.P237S variant (also known as c.709C>T), located in coding exon 1 of the ZNF469 gene, results from a C to T substitution at nucleotide position 709. The proline at codon 237 is replaced by serine, an amino acid with similar properties. This amino acid position is conserved. In addition, this alteration is predicted to be tolerated by in silico analysis. Since supporting evidence is limited at this time, the clinical significance of this alteration remains unclear.